The following is an entry in ClinVar:

NC_000016.10:g.67660263_67660288del

Gene: ACD (ACD shelterin complex subunit and telomerase recruitment factor; minus strand). Cytogenetic location: 16q22.1.
Variant type: Deletion.
Genome position: GRCh38 VCF-style: chr16-67660257-GTTTCCCGCGGGCGCCCAGGCCCCGCC-G. GRCh37 (hg19) VCF-style: chr16-67694160-GTTTCCCGCGGGCGCCCAGGCCCCGCC-G.
Identifiers: ClinVar variation 2179658 (VCV002179658.6), dbSNP rs1339425052, ClinGen allele CA8114870.

ClinVar aggregate classification (germline): Uncertain significance. Review status: criteria provided, multiple submitters, no conflicts (2 of 4 stars). 2 submissions from 2 submitters: Uncertain significance (2). Last evaluated 2025-10-09.

Conditions:
Dyskeratosis congenita, autosomal dominant 6 (DKCA6). Identifiers: Orphanet 3322, MedGen C4225284, MONDO:0014690, OMIM 616553.

Submissions (2):

Labcorp Genetics (formerly Invitae), Labcorp
Classification: Uncertain significance for Dyskeratosis congenita, autosomal dominant 6. Last evaluated: 2025-10-09. Review status: criteria provided, single submitter. Criteria: Invitae Variant Classification Sherloc (09022015). Collection method: clinical testing. Allele origin: germline.
Comment: This sequence change creates a premature translational stop signal (p.Gly66Profs*45) in the ACD gene. It is expected to result in an absent or disrupted protein product. However, the current clinical and genetic evidence is not sufficient to establish whether loss-of-function variants in ACD cause disease. This variant is present in population databases (no rsID available, gnomAD 0.01%). This variant has not been reported in the literature in individuals affected with ACD-related conditions. ClinVar contains an entry for this variant (Variation ID: 2179658). In summary, the available evidence is currently insufficient to determine the role of this variant in disease. Therefore, it has been classified as a Variant of Uncertain Significance.

Blueprint Genetics
Classification: Uncertain significance. Last evaluated: 2023-08-31. Review status: criteria provided, single submitter. Criteria: ACMG Guidelines, 2015. Collection method: clinical testing. Allele origin: germline.